The following is an entry in ClinVar:

ClinVar aggregate classification (germline): Likely benign (1 of 4 stars; one submission).

Conditions:
VPS13B-related disorder. Also called: VPS13B-related condition.

Submission:

PreventionGenetics, part of Exact Sciences
Classification: Likely benign for VPS13B-related condition. Last evaluated: 2026-03-10. Review status: criteria provided, single submitter. Criteria: ACMG Guidelines, 2015. Collection method: clinical testing. Allele origin: germline.
Comment: This variant is classified as likely benign based on ACMG/AMP sequence variant interpretation guidelines (Richards et al. 2015 PMID: 25741868, with internal and published modifications).

NM_152564.5(VPS13B):c.3639A>T (p.Ser1213=)

Gene: VPS13B (vacuolar protein sorting 13 homolog B; plus strand). Cytogenetic location: 8q22.2.
Variant type: single nucleotide variant.
Coding change: c.3639A>T on transcript NM_152564.5 (MANE Select); coding-DNA position 3639, A replaced by T.
Protein change: p.Ser1213=; no amino-acid change (serine 1213 retained).
Molecular consequence: synonymous variant.
Genome position (GRCh38, 1-based): chr8:99,467,607, A>T. VCF-style: chr8-99467607-A-T. GRCh37 (hg19) VCF-style: chr8-100479835-A-T.
Other names: c.3639A>T, p.Ser1213= (NM_017890.5).
Identifiers: ClinVar variation 4991360 (VCV004991360.1).